The following is an entry in ClinVar:

ClinVar aggregate classification (germline): Likely pathogenic (0 of 4 stars; one submission).

Conditions:
PHOX2B-related disorder. Also called: PHOX2B-related condition.

Submission:

PreventionGenetics, part of Exact Sciences
Classification: Likely pathogenic for PHOX2B-related condition. Last evaluated: 2024-05-15. Review status: no assertion criteria provided. Collection method: clinical testing. Allele origin: germline.
Comment: The PHOX2B c.747delA variant is predicted to result in a frameshift and premature protein termination (p.Ala250Argfs*59). To our knowledge, this variant has not been reported in the literature or in a large population database, indicating this variant is rare. Frameshift variants in PHOX2B are expected to be pathogenic. Of note, this variant is located within the polyalanine repeat region of PHOX2B exon 3. This variant is interpreted as likely pathogenic.

NM_003924.4(PHOX2B):c.747del (p.Ala250fs)

Genes: PHOX2B (paired like homeobox 2B; minus strand), LOC110011216 (paired like homeobox 2b polyalanine repeat instability region; plus strand). Cytogenetic location: 4p13.
Variant type: Deletion.
Coding change: c.747del on transcript NM_003924.4 (MANE Select); coding-DNA position 747, one base deleted (A; older notation c.747delA).
Protein change: p.Ala250fs; shifts the reading frame from alanine 250.
Molecular consequence: frameshift variant.
Genome position (GRCh38, 1-based): chr4:41,746,005, T deleted on the plus strand (A on the coding strand, the reverse complement: PHOX2B is on the minus strand). VCF-style (leftmost placement, unchanged base first): chr4-41746004-CT-C. GRCh37 (hg19) VCF-style: chr4-41748021-CT-C.
Other names: short protein forms A250fs.
Identifiers: ClinVar variation 3346376 (VCV003346376.1).